The following is an entry in ClinVar:

NM_014956.5(CEP164):c.1486C>G (p.Gln496Glu)

Gene: CEP164 (centrosomal protein 164; plus strand). Cytogenetic location: 11q23.3.
Variant type: single nucleotide variant.
Coding change: c.1486C>G on transcript NM_014956.5 (MANE Select); coding-DNA position 1486, C replaced by G.
Protein change: p.Gln496Glu; replaces glutamine 496 with glutamic acid.
Molecular consequence: missense variant.
Genome position (GRCh38, 1-based): chr11:117,381,777, C>G. VCF-style: chr11-117381777-C-G. GRCh37 (hg19) VCF-style: chr11-117252493-C-G.
Other names: c.1495C>G, p.Gln499Glu (NM_001271933.2); short protein forms Q496E, Q499E.
Identifiers: ClinVar variation 3689245 (VCV003689245.2).

ClinVar aggregate classification (germline): Uncertain significance (1 of 4 stars; one submission).

Conditions:
Nephronophthisis 15 (NPHP15). Identifiers: Orphanet 3156, MedGen C3541853, MONDO:0013917, OMIM 614845.

gnomAD v4.1: 2 of 1,596,608 alleles (0.00013%); highest among the groups gnomAD compares: Admixed American, 0.0017%; no homozygotes.

Submission:

Labcorp Genetics (formerly Invitae), Labcorp
Classification: Uncertain significance for Nephronophthisis 15. Last evaluated: 2024-11-05. Review status: criteria provided, single submitter. Criteria: Invitae Variant Classification Sherloc (09022015). Collection method: clinical testing. Allele origin: germline.
Comment: This sequence change replaces glutamine, which is neutral and polar, with glutamic acid, which is acidic and polar, at codon 496 of the CEP164 protein (p.Gln496Glu). This variant is present in population databases (no rsID available, gnomAD 0.003%). This variant has not been reported in the literature in individuals affected with CEP164-related conditions. An algorithm developed to predict the effect of missense changes on protein structure and function outputs the following: PolyPhen-2: "Benign". The glutamic acid amino acid residue is found in multiple mammalian species, which suggests that this missense change does not adversely affect protein function. In summary, the available evidence is currently insufficient to determine the role of this variant in disease. Therefore, it has been classified as a Variant of Uncertain Significance.